The following is an entry in ClinVar:

NM_001376571.1(MADD):c.3533_3534del (p.Ser1178fs)

Gene: MADD (MAP kinase activating death domain; plus strand). Cytogenetic location: 11p11.2.
Variant type: Microsatellite.
Coding change: c.3533_3534del on transcript NM_001376571.1 (MANE Select); coding-DNA positions 3533 to 3534, 2 bases deleted (CT; older notation c.3533_3534delCT).
Protein change: p.Ser1178fs; shifts the reading frame from serine 1178.
Molecular consequence: frameshift variant. On other transcripts: non-coding transcript variant (8), intron variant (1).
Genome position (GRCh38, 1-based): chr11:47,295,512-47,295,513, CT deleted; deleting any 2 consecutive bases within chr11:47,295,510-47,295,513 gives the same sequence; the c. name uses the placement nearest the transcript's 3' end. VCF-style (leftmost placement, unchanged base first): chr11-47295509-ACT-A. GRCh37 (hg19) VCF-style: chr11-47317060-ACT-A.
Other names: c.3419_3420del, p.Ser1140fs (NM_001376623.1, NM_130476.3, NM_001376594.1 and 7 more transcripts); c.3404_3405del, p.Ser1135fs (NM_001376624.1, NM_001376629.1, NM_001376630.1 and 4 more transcripts); c.3290_3291del, p.Ser1097fs (NM_130474.3, NM_001376603.1, NM_001376604.1 and 13 more transcripts); c.3533_3534del, p.Ser1178fs (NM_130475.3, NM_001376599.1, NM_001376600.1 and 4 more transcripts); c.3273+1529_3273+1530del (NM_001376661.1); c.3350_3351del, p.Ser1117fs (NM_001376636.1, NM_001376638.1, NM_001376639.1 and 7 more transcripts); c.3344_3345del, p.Ser1115fs (NM_001376640.1, NM_001376595.1, NM_001376597.1 and 4 more transcripts); c.3392_3393del, p.Ser1131fs (NM_001376631.1); and 18 more; short protein forms S1047fs, S1049fs, S1063fs, S1067fs, S1072fs, S1081fs, S1090fs, S1097fs.
Identifiers: ClinVar variation 4759229 (VCV004759229.1).
Genomic context (GRCh38, chr11:47,295,509, plus strand): 5'-GAGAGGAGATTGGACACCTCCCCTAATGTTCCTGTGTCTTGTTTCAGAGGACTGATCAAG[ACT>A]CTGTCATCGGCGTGAGTCCAGCTGTTATGATCCGCAGCTCAAGTCAGGATTCTGAAGTTA-3'

ClinVar aggregate classification (germline): Likely pathogenic (1 of 4 stars; one submission).

Conditions:
Autosomal recessive MADD-related disorders.

Submission:

Variantyx, Inc.
Classification: Likely pathogenic for Autosomal recessive MADD-related disorders. Last evaluated: 2025-03-20. Review status: criteria provided, single submitter. Criteria: Variantyx Assertion Criteria 2022. Collection method: clinical testing. Allele origin: paternal.
Comment: This is a frameshift variant in the MADD gene (OMIM: 603584). Pathogenic variants in this gene have been associated with autosomal recessive MADD-related disorders. This variant introduces a premature termination codon in exon 23 out of 36. It is expected to result in loss of function, which is a known disease mechanism for MADD in this disorder (PVS1). This variant has a 0.0007% maximum allele frequency in non-founder control populations (PM2_Supporting). Based on the current evidence, this variant is classified as likely pathogenic for autosomal recessive MADD-related disorders.